The following is an entry in ClinVar:

ClinVar aggregate classification (germline): Uncertain significance. Review status: criteria provided, multiple submitters, no conflicts (2 of 4 stars). 5 submissions from 5 submitters: Uncertain significance (4). 1 of the submissions does not count toward it. Last evaluated 2025-10-02.

Conditions:
Inborn genetic diseases. Identifiers: MedGen C0950123, MeSH D030342.
Nemaline myopathy 2 (NEM2). Also called: Nemaline myopathy 2, autosomal recessive. Identifiers: MedGen C1850569, MONDO:0009725, OMIM 256030.

Allele frequency attached by ClinVar (database versions not stated): TOPMed 0.00001; ExAC 0.00003; ESP Exome Variant Server 0.00017.
gnomAD v4.1: 27 of 1,613,790 alleles (0.0017%); highest among the groups gnomAD compares: Non-Finnish European, 0.0022%; no homozygotes.

Submissions (5):

Labcorp Genetics (formerly Invitae), Labcorp
Classification: Uncertain significance for Nemaline myopathy 2. Last evaluated: 2025-10-02. Review status: criteria provided, single submitter. Criteria: Invitae Variant Classification Sherloc (09022015). Collection method: clinical testing. Allele origin: germline.
Comment: This sequence change replaces glycine, which is neutral and non-polar, with aspartic acid, which is acidic and polar, at codon 3879 of the NEB protein (p.Gly3879Asp). This variant is present in population databases (rs199766288, gnomAD 0.004%). This variant has not been reported in the literature in individuals affected with NEB-related conditions. ClinVar contains an entry for this variant (Variation ID: 972341). Experimental studies and prediction algorithms are not available or were not evaluated, and the functional significance of this variant is currently unknown. In summary, the available evidence is currently insufficient to determine the role of this variant in disease. Therefore, it has been classified as a Variant of Uncertain Significance.

Ambry Genetics
Classification: Uncertain significance for Inborn genetic diseases. Last evaluated: 2025-03-22. Review status: criteria provided, single submitter. Criteria: Ambry Variant Classification Scheme 2023. Collection method: clinical testing. Allele origin: germline.

GeneDx
Classification: Uncertain significance. Last evaluated: 2024-11-10. Review status: criteria provided, single submitter. Criteria: GeneDx Variant Classification Process June 2021. Collection method: clinical testing. Allele origin: germline. Affected: yes.
Comment: Not observed at significant frequency in large population cohorts (gnomAD); In silico analysis supports that this missense variant has a deleterious effect on protein structure/function; Has not been previously published as pathogenic or benign to our knowledge

Revvity Omics, Revvity
Classification: Uncertain significance. Last evaluated: 2023-01-06. Review status: criteria provided, single submitter. Criteria: ACMG Guidelines, 2015. Collection method: clinical testing. Allele origin: germline.

Natera, Inc.
Classification: Uncertain significance for Nemaline myopathy type 2. Last evaluated: 2020-09-28. Review status: no assertion criteria provided. Collection method: clinical testing. Allele origin: germline. Not counted in ClinVar's aggregate classification.

NM_001164508.2(NEB):c.11636G>A (p.Gly3879Asp)

Gene: NEB (nebulin; minus strand). Cytogenetic location: 2q23.3.
Variant type: single nucleotide variant.
Coding change: c.11636G>A on transcript NM_001164508.2 (MANE Select); coding-DNA position 11636, G replaced by A.
Protein change: p.Gly3879Asp; replaces glycine 3879 with aspartic acid.
Molecular consequence: missense variant.
Genome position (GRCh38, 1-based): chr2:151,612,355, C>T on the plus strand (G>A on the coding strand, the complement: NEB is on the minus strand). VCF-style: chr2-151612355-C-T. GRCh37 (hg19) VCF-style: chr2-152468869-C-T.
Other names: c.11636G>A, p.Gly3879Asp (NM_001164507.2, NM_001271208.2); c.10907G>A, p.Gly3636Asp (NM_004543.5); c.10907G>A (NM_004543.4); short protein forms G3636D, G3879D.
Identifiers: ClinVar variation 972341 (VCV000972341.13), dbSNP rs199766288, ClinGen allele CA1908707.